The following is an entry in ClinVar:

NM_000240.4(MAOA):c.1223C>T (p.Thr408Met)

Gene: MAOA (monoamine oxidase A; plus strand). Cytogenetic location: Xp11.3.
Variant type: single nucleotide variant.
Coding change: c.1223C>T on transcript NM_000240.4 (MANE Select); coding-DNA position 1223, C replaced by T.
Protein change: p.Thr408Met; replaces threonine 408 with methionine.
Molecular consequence: missense variant.
Genome position (GRCh38, 1-based): chrX:43,742,008, C>T. VCF-style: chrX-43742008-C-T. GRCh37 (hg19) VCF-style: chrX-43601255-C-T.
Other names: c.824C>T, p.Thr275Met (NM_001270458.2); short protein forms T275M, T408M.
Identifiers: ClinVar variation 1448307 (VCV001448307.8), dbSNP rs2033963856, ClinGen allele CA413009757.

ClinVar aggregate classification (germline): Uncertain significance (1 of 4 stars; one submission).

Conditions:
Brunner syndrome (BRNRS). Identifiers: Orphanet 3057, MedGen C0796275, MONDO:0010379, OMIM 300615.

Allele frequency attached by ClinVar (database versions not stated): gnomAD exomes below 0.00001; gnomAD 0.00001.
gnomAD v4.1: 6 of 1,209,960 alleles (0.0005%); highest among the groups gnomAD compares: South Asian, 0.0018%; no homozygotes.

Submission:

Labcorp Genetics (formerly Invitae), Labcorp
Classification: Uncertain significance for Brunner syndrome. Last evaluated: 2021-02-16. Review status: criteria provided, single submitter. Criteria: Invitae Variant Classification Sherloc (09022015). Collection method: clinical testing. Allele origin: germline.
Comment: In summary, the available evidence is currently insufficient to determine the role of this variant in disease. Therefore, it has been classified as a Variant of Uncertain Significance. Algorithms developed to predict the effect of missense changes on protein structure and function are either unavailable or do not agree on the potential impact of this missense change (SIFT: "Deleterious"; PolyPhen-2: "Probably Damaging"; Align-GVGD: "Class C0"). This variant has not been reported in the literature in individuals with MAOA-related conditions. This variant is not present in population databases (ExAC no frequency). This sequence change replaces threonine with methionine at codon 408 of the MAOA protein (p.Thr408Met). The threonine residue is moderately conserved and there is a moderate physicochemical difference between threonine and methionine.